The following is an entry in ClinVar:

NM_024747.6(HPS6):c.899C>A (p.Ala300Asp)

Gene: HPS6 (HPS6 biogenesis of lysosomal organelles complex 2 subunit 3; plus strand). Cytogenetic location: 10q24.32.
Variant type: single nucleotide variant.
Coding change: c.899C>A on transcript NM_024747.6 (MANE Select); coding-DNA position 899, C replaced by A.
Protein change: p.Ala300Asp; replaces alanine 300 with aspartic acid.
Molecular consequence: missense variant.
Genome position (GRCh38, 1-based): chr10:102,066,373, C>A. VCF-style: chr10-102066373-C-A. GRCh37 (hg19) VCF-style: chr10-103826130-C-A.
Other names: short protein forms A300D.
Identifiers: ClinVar variation 2196182 (VCV002196182.3), dbSNP rs769588444, ClinGen allele CA5659877.

ClinVar aggregate classification (germline): Uncertain significance. Review status: criteria provided, multiple submitters, no conflicts (2 of 4 stars). 3 submissions from 3 submitters: Uncertain significance (3). Last evaluated 2026-06-11.

Conditions:
Inborn genetic diseases. Identifiers: MedGen C0950123, MeSH D030342.

Allele frequency attached by ClinVar (database versions not stated): gnomAD 0.00001; TOPMed 0.00005.
gnomAD v4.1: 34 of 1,613,898 alleles (0.0021%); highest among the groups gnomAD compares: Admixed American, 0.055%; no homozygotes.

Submissions (3):

Women's Health and Genetics/Laboratory Corporation of America, LabCorp
Classification: Uncertain significance. Last evaluated: 2026-06-11. Review status: criteria provided, single submitter. Criteria: LabCorp Variant Classification Summary - May 2015. Collection method: clinical testing. Allele origin: germline.
Comment: Variant summary: HPS6 c.899C>A (p.Ala300Asp) results in a non-conservative amino acid change in the encoded protein sequence. Algorithms developed to predict the effect of missense changes on protein structure and function are either unavailable or do not agree on the potential impact of this missense change. The variant allele was found at a frequency of 0.00012 in 250890 control chromosomes. This frequency is not significantly higher than estimated for disease-causing variants in HPS6, allowing no conclusion about variant significance. To our knowledge, no occurrence of c.899C>A in individuals affected with HPS6-related conditions and no experimental evidence demonstrating its impact on protein function have been reported. ClinVar contains an entry for this variant (Variation ID: 2196182). Based on the evidence outlined above, the variant was classified as uncertain significance.

Ambry Genetics
Classification: Uncertain significance for Inborn genetic diseases. Last evaluated: 2024-07-14. Review status: criteria provided, single submitter. Criteria: Ambry Variant Classification Scheme 2023. Collection method: clinical testing. Allele origin: germline.

Labcorp Genetics (formerly Invitae), Labcorp
Classification: Uncertain significance. Last evaluated: 2022-08-09. Review status: criteria provided, single submitter. Criteria: Invitae Variant Classification Sherloc (09022015). Collection method: clinical testing. Allele origin: germline.
Comment: This sequence change replaces alanine, which is neutral and non-polar, with aspartic acid, which is acidic and polar, at codon 300 of the HPS6 protein (p.Ala300Asp). This variant is present in population databases (rs769588444, gnomAD 0.09%). This variant has not been reported in the literature in individuals affected with HPS6-related conditions. Algorithms developed to predict the effect of missense changes on protein structure and function (SIFT, PolyPhen-2, Align-GVGD) all suggest that this variant is likely to be tolerated. In summary, the available evidence is currently insufficient to determine the role of this variant in disease. Therefore, it has been classified as a Variant of Uncertain Significance.